The following is an entry in ClinVar:

NM_000548.5(TSC2):c.4938G>T (p.Val1646=)

Gene: TSC2 (TSC complex subunit 2; plus strand). Cytogenetic location: 16p13.3.
Variant type: single nucleotide variant.
Coding change: c.4938G>T on transcript NM_000548.5 (MANE Select); coding-DNA position 4938, G replaced by T.
Protein change: p.Val1646=; no amino-acid change (valine 1646 retained).
Molecular consequence: synonymous variant. On other transcripts: non-coding transcript variant (5).
Genome position (GRCh38, 1-based): chr16:2,086,820, G>T. VCF-style: chr16-2086820-G-T. GRCh37 (hg19) VCF-style: chr16-2136821-G-T.
Other names: c.4809G>T, p.Val1603= (NM_001370405.1, NM_021055.3); c.4935G>T, p.Val1645= (NM_001406663.1); c.4866G>T, p.Val1622= (NM_001406664.1); c.4860G>T, p.Val1620= (NM_001406665.1); c.4830G>T, p.Val1610= (NM_001406667.1); c.4827G>T, p.Val1609= (NM_001406668.1); c.4758G>T, p.Val1586= (NM_001406670.1); c.4728G>T, p.Val1576= (NM_001406671.1); and 26 more.
Identifiers: ClinVar variation 4071150 (VCV004071150.1).

ClinVar aggregate classification (germline): Benign (1 of 4 stars; one submission).

Conditions:
Tuberous sclerosis 2 (TSC2). Identifiers: Orphanet 805, MedGen C1860707, MONDO:0013199, OMIM 613254.

Submission:

Myriad Genetics, Inc.
Classification: Benign for Tuberous sclerosis 2. Last evaluated: 2025-06-05. Review status: criteria provided, single submitter. Criteria: Myriad Autosomal Dominant, Autosomal Recessive and X-Linked Classification Criteria (2023). Collection method: clinical testing. Allele origin: unknown.
Comment: This variant is considered benign. This variant is a silent/synonymous amino acid change and it is not expected to impact splicing.